The following is an entry in ClinVar:

NC_000017.11:g.(?_46923173)_(46940633_?)del

Gene: GOSR2 (golgi SNAP receptor complex member 2; plus strand). Cytogenetic location: 17q21.32.
Variant type: Deletion.
Identifiers: ClinVar variation 831185 (VCV000831185.1).

ClinVar aggregate classification (germline): Pathogenic (1 of 4 stars; one submission).

Conditions:
Progressive myoclonic epilepsy. Also called: Familial progressive myoclonic epilepsy; Myoclonus epilepsy; Progressive myoclonus epilepsy; Myoclonic Epilepsies, Progressive. Identifiers: Orphanet 308, Orphanet 98261, MedGen C0751778, MONDO:0020074.

Submission:

Labcorp Genetics (formerly Invitae), Labcorp
Classification: Pathogenic for Progressive myoclonic epilepsy. Last evaluated: 2019-05-02. Review status: criteria provided, single submitter. Criteria: Invitae Variant Classification Sherloc (09022015). Collection method: clinical testing. Allele origin: germline.
Comment: A gross deletion of the genomic region encompassing the full coding sequence of the GOSR2 gene has been identified. The boundaries of this event are unknown as the deletion extends beyond the assayed region for this gene and therefore may encompass additional genes. This variant has not been reported in the literature in individuals with GOSR2-related conditions. Loss-of-function variants in GOSR2 are known to be pathogenic (PMID: 21549339). For these reasons, this variant has been classified as Pathogenic.